The following is an entry in ClinVar:

NM_014322.3(OPN3):c.950G>A (p.Arg317Gln)

Genes: KMO (kynurenine 3-monooxygenase; plus strand), OPN3 (opsin 3; minus strand). Cytogenetic location: 1q43.
Variant type: single nucleotide variant.
Coding change: c.950G>A on transcript NM_014322.3 (MANE Select); coding-DNA position 950, G replaced by A.
Protein change: p.Arg317Gln; replaces arginine 317 with glutamine.
Molecular consequence: missense variant. On other transcripts: 3 prime UTR variant (2).
Genome position (GRCh38, 1-based): chr1:241,594,687, C>T on the plus strand (G>A on the coding strand, the complement: OPN3 is on the minus strand). VCF-style: chr1-241594687-C-T. GRCh37 (hg19) VCF-style: chr1-241757989-C-T.
Other names: c.*2534C>T (NM_001410944.1, NM_003679.5); short protein forms R317Q.
Identifiers: ClinVar variation 2640207 (VCV002640207.24), dbSNP rs138406816, ClinGen allele CA1479382.

ClinVar aggregate classification (germline): Likely benign (1 of 4 stars; one submission).

Allele frequency attached by ClinVar (database versions not stated): ExAC 0.00059; TOPMed 0.00065; gnomAD 0.00069; 1000 Genomes Project 30x 0.00078; 1000 Genomes Project 0.00080; ESP Exome Variant Server 0.00100; gnomAD exomes 0.00123.
gnomAD v4.1: 1,885 of 1,611,462 alleles (0.12%); highest among the groups gnomAD compares: Non-Finnish European, 0.14%; 2 homozygotes.

Submission:

CeGaT Center for Human Genetics Tuebingen
Classification: Likely benign. Last evaluated: 2023-01-01. Review status: criteria provided, single submitter. Criteria: CeGaT Center For Human Genetics Tuebingen Variant Classification Criteria Version 2. Collection method: clinical testing. Allele origin: germline. Affected: yes. Observed: 1 variant allele.
Comment: OPN3: BP4